The following is an entry in ClinVar:

ClinVar aggregate classification (germline): Conflicting classifications of pathogenicity. Review status: criteria provided, conflicting classifications (1 of 4 stars). 2 submissions from 2 submitters: Uncertain significance (1); Likely benign (1). Last evaluated 2025-03-17.

Conditions:
Aortic aneurysm, familial thoracic 4 (AAT4). Also called: AORTIC ANEURYSM/AORTIC DISSECTION AND PATENT DUCTUS ARTERIOSUS. Identifiers: MedGen C1851504, MONDO:0007568, OMIM 132900.
Familial thoracic aortic aneurysm and aortic dissection (TAAD). Also called: Thoracic aortic aneurysms and dissections. Identifiers: Orphanet 91387, MedGen C4707243, MONDO:0019625.

Allele frequency attached by ClinVar (database versions not stated): gnomAD 0.00001; gnomAD exomes 0.00001 and 0.00003; TOPMed 0.00001 and 0.00002; ExAC 0.00002.

Submissions (2):

Labcorp Genetics (formerly Invitae), Labcorp
Classification: Uncertain significance for Aortic aneurysm, familial thoracic 4. Last evaluated: 2025-03-17. Review status: criteria provided, single submitter. Criteria: Invitae Variant Classification Sherloc (09022015). Collection method: clinical testing. Allele origin: germline.
Comment: This sequence change falls in intron 12 of the MYH11 gene. It does not directly change the encoded amino acid sequence of the MYH11 protein. It affects a nucleotide within the consensus splice site. This variant is present in population databases (rs748020048, gnomAD 0.02%). This variant has not been reported in the literature in individuals affected with MYH11-related conditions. ClinVar contains an entry for this variant (Variation ID: 2177863). Variants that disrupt the consensus splice site are a relatively common cause of aberrant splicing (PMID: 17576681, 9536098). Algorithms developed to predict the effect of sequence changes on RNA splicing suggest that this variant is not likely to affect RNA splicing. In summary, the available evidence is currently insufficient to determine the role of this variant in disease. Therefore, it has been classified as a Variant of Uncertain Significance.

Color Diagnostics, LLC DBA Color Health
Classification: Likely benign for Familial thoracic aortic aneurysm and aortic dissection. Last evaluated: 2024-08-12. Review status: criteria provided, single submitter. Criteria: ACMG Guidelines, 2015. Collection method: clinical testing. Allele origin: germline.

Literature cited by the submitters: PubMed 17576681 (cited by Labcorp Genetics (formerly Invitae), Labcorp); PubMed 9536098 (cited by Labcorp Genetics (formerly Invitae), Labcorp).

NM_002474.3(MYH11):c.1249-4dup

Gene: MYH11 (myosin heavy chain 11; minus strand). Cytogenetic location: 16p13.11.
Variant type: Duplication.
Coding change: c.1249-4dup on transcript NM_002474.3 (MANE Select); 4 bases into the intron before coding-DNA position 1249, one base duplicated (G; older notation c.1249-4dupG).
Molecular consequence: intron variant.
Genome position (GRCh38, 1-based): chr16:15,759,732, C duplicated on the plus strand (G on the coding strand, the reverse complement: MYH11 is on the minus strand). VCF-style (leftmost placement, unchanged base first): chr16-15759731-G-GC. GRCh37 (hg19) VCF-style: chr16-15853588-G-GC.
Other names: c.1249-4dup (NM_022844.3); c.1270-4dup (NM_001040114.2, NM_001040113.2).
Identifiers: ClinVar variation 2177863 (VCV002177863.5), dbSNP rs748020048, ClinGen allele CA7922651.